The following is an entry in ClinVar:

ClinVar aggregate classification (germline): Uncertain significance (1 of 4 stars; one submission).

Conditions:
Alstrom syndrome (ALMS). Identifiers: Orphanet 64, MedGen C0268425, MONDO:0008763, OMIM 203800.

Submission:

Labcorp Genetics (formerly Invitae), Labcorp
Classification: Uncertain significance for Alstrom syndrome. Last evaluated: 2022-01-15. Review status: criteria provided, single submitter. Criteria: Invitae Variant Classification Sherloc (09022015). Collection method: clinical testing. Allele origin: germline.
Comment: This sequence change replaces threonine with serine at codon 3019 of the ALMS1 protein (p.Thr3019Ser). The threonine residue is weakly conserved and there is a small physicochemical difference between threonine and serine. This variant is not present in population databases (gnomAD no frequency). This variant has not been reported in the literature in individuals affected with ALMS1-related conditions. Experimental studies and prediction algorithms are not available or were not evaluated, and the functional significance of this variant is currently unknown. In summary, the available evidence is currently insufficient to determine the role of this variant in disease. Therefore, it has been classified as a Variant of Uncertain Significance.

NM_001378454.1(ALMS1):c.9053C>G (p.Thr3018Ser)

Gene: ALMS1 (ALMS1 centrosome and basal body associated protein; plus strand). Cytogenetic location: 2p13.1.
Variant type: single nucleotide variant.
Coding change: c.9053C>G on transcript NM_001378454.1 (MANE Select); coding-DNA position 9053, C replaced by G.
Protein change: p.Thr3018Ser; replaces threonine 3018 with serine.
Molecular consequence: missense variant.
Genome position (GRCh38, 1-based): chr2:73,491,012, C>G. VCF-style: chr2-73491012-C-G. GRCh37 (hg19) VCF-style: chr2-73718139-C-G.
Other names: c.9056C>G, p.Thr3019Ser (NM_015120.4); short protein forms T3019S, T3018S.
Identifiers: ClinVar variation 1361078 (VCV001361078.3), dbSNP rs2103894447, ClinGen allele CA347272699.